The following is an entry in ClinVar:

NM_001009944.3(PKD1):c.11396C>T (p.Ala3799Val)

Genes: PKD1 (polycystin 1, transient receptor potential channel interacting; minus strand), PKD1-AS1 (PKD1 antisense RNA 1; plus strand). Cytogenetic location: 16p13.3.
Variant type: single nucleotide variant.
Coding change: c.11396C>T on transcript NM_001009944.3 (MANE Select); coding-DNA position 11396, C replaced by T.
Protein change: p.Ala3799Val; replaces alanine 3799 with valine.
Molecular consequence: missense variant.
Genome position (GRCh38, 1-based): chr16:2,092,062, G>A on the plus strand (C>T on the coding strand, the complement: PKD1 is on the minus strand). VCF-style: chr16-2092062-G-A. GRCh37 (hg19) VCF-style: chr16-2142063-G-A.
Other names: c.11393C>T (NM_000296.3); c.11393C>T, p.Ala3798Val (NM_000296.4); short protein forms A3798V, A3799V.
Identifiers: ClinVar variation 2629028 (VCV002629028.3), dbSNP rs371394349, ClinGen allele CA7829162.

ClinVar aggregate classification (germline): Uncertain significance. Review status: criteria provided, multiple submitters, no conflicts (2 of 4 stars). 2 submissions from 2 submitters: Uncertain significance (2). Last evaluated 2026-09-16.

Conditions:
Inborn genetic diseases. Identifiers: MedGen C0950123, MeSH D030342.
PKD1-related disorder. Also called: PKD1-related condition.

Allele frequency attached by ClinVar (database versions not stated): ExAC 0.00001; gnomAD 0.00001.
gnomAD v4.1: 12 of 1,612,684 alleles (0.00074%); highest among the groups gnomAD compares: East Asian, 0.0045%; no homozygotes.

Submissions (2):

PreventionGenetics, part of Exact Sciences
Classification: Uncertain significance for PKD1-related condition. Last evaluated: 2026-09-16. Review status: criteria provided, single submitter. Criteria: ACMG Guidelines, 2015. Collection method: clinical testing. Allele origin: germline.
Comment: The PKD1 c.11396C>T variant is predicted to result in the amino acid substitution p.Ala3799Val. To our knowledge, this variant has not been reported in the literature. This variant is reported in 0.0050% of alleles in individuals of East Asian descent in gnomAD. At this time, the clinical significance of this variant is uncertain due to the absence of conclusive functional and genetic evidence.

Ambry Genetics
Classification: Uncertain significance for Inborn genetic diseases. Last evaluated: 2025-04-12. Review status: criteria provided, single submitter. Criteria: Ambry Variant Classification Scheme 2023. Collection method: clinical testing. Allele origin: germline.